The following is an entry in ClinVar:

ClinVar aggregate classification (germline): Uncertain significance. Review status: criteria provided, multiple submitters, no conflicts (2 of 4 stars). 8 submissions from 8 submitters: Uncertain significance (6). 2 of the submissions do not count toward it. Last evaluated 2024-12-15.

Conditions:
Hearing loss, autosomal dominant 80. Also called: DEAFNESS, AUTOSOMAL DOMINANT 80. Identifiers: MedGen C5543289, MONDO:0030998, OMIM 619274.
Autosomal recessive nonsyndromic hearing loss 2. Also called: NEUROSENSORY NONSYNDROMIC RECESSIVE DEAFNESS 2; DEAFNESS, AUTOSOMAL RECESSIVE 2. Identifiers: Orphanet 90636, MedGen C1838701, MONDO:0010807, OMIM 600060.
Usher syndrome type 1 (USH1). Also called: RETINITIS PIGMENTOSA AND CONGENITAL DEAFNESS. Identifiers: Orphanet 231169, Orphanet 886, MedGen C1568247, MONDO:0010168, OMIM 276900.
Autosomal dominant nonsyndromic hearing loss 11. Identifiers: Orphanet 90635, MedGen C1832475, MONDO:0011032, OMIM 601317.
Usher syndrome type 1B (USH1B). Also called: Usher syndrome type IB. Identifiers: MedGen C1848638, MONDO:0700087.

Allele frequency attached by ClinVar (database versions not stated): ExAC below 0.00001; gnomAD exomes 0.00004 and 0.00009; gnomAD 0.00005 and 0.00006; TOPMed 0.00005.
gnomAD v4.1: 129 of 1,550,640 alleles (0.0083%); highest among the groups gnomAD compares: East Asian, 0.012%; no homozygotes.

Submissions (8):

Labcorp Genetics (formerly Invitae), Labcorp
Classification: Uncertain significance. Last evaluated: 2024-12-15. Review status: criteria provided, single submitter. Criteria: Invitae Variant Classification Sherloc (09022015). Collection method: clinical testing. Allele origin: germline.
Comment: This sequence change replaces arginine, which is basic and polar, with glutamine, which is neutral and polar, at codon 1749 of the MYO7A protein (p.Arg1749Gln). The frequency data for this variant in the population databases is considered unreliable, as metrics indicate poor data quality at this position in the gnomAD database. This variant has not been reported in the literature in individuals affected with MYO7A-related conditions. ClinVar contains an entry for this variant (Variation ID: 229007). Invitae Evidence Modeling of protein sequence and biophysical properties (such as structural, functional, and spatial information, amino acid conservation, physicochemical variation, residue mobility, and thermodynamic stability) indicates that this missense variant is not expected to disrupt MYO7A protein function with a negative predictive value of 95%. In summary, the available evidence is currently insufficient to determine the role of this variant in disease. Therefore, it has been classified as a Variant of Uncertain Significance.

Blueprint Genetics
Classification: Uncertain significance. Last evaluated: 2024-11-27. Review status: criteria provided, single submitter. Criteria: ACMG Guidelines, 2015. Collection method: clinical testing. Allele origin: germline.

Molecular Genetics, Royal Melbourne Hospital
Classification: Uncertain significance for Hearing loss, autosomal dominant 80. Last evaluated: 2024-02-05. Review status: criteria provided, single submitter. Criteria: ACMG Guidelines, 2015. Collection method: clinical testing. Allele origin: germline.
Comment: Based on the classification scheme RMH Modified ACMG Guidelines v1.6.1, this variant is classified as a VARIANT OF UNCERTAIN SIGNIFICANCE. Following criteria are met: none.

GeneDx
Classification: Uncertain significance. Last evaluated: 2023-04-19. Review status: criteria provided, single submitter. Criteria: GeneDx Variant Classification Process June 2021. Collection method: clinical testing. Allele origin: germline. Affected: yes.
Comment: In silico analysis supports that this missense variant has a deleterious effect on protein structure/function; Has not been previously published as pathogenic or benign to our knowledge

Fulgent Genetics
Classification: Uncertain significance for Usher syndrome type 1; Autosomal recessive nonsyndromic hearing loss 2; Autosomal dominant nonsyndromic hearing loss 11. Last evaluated: 2018-10-31. Review status: criteria provided, single submitter. Criteria: ACMG Guidelines, 2015. Collection method: clinical testing. Allele origin: unknown.

Laboratory for Molecular Medicine, Mass General Brigham Personalized Medicine
Classification: Uncertain significance. Last evaluated: 2015-08-18. Review status: criteria provided, single submitter. Criteria: LMM Criteria. Collection method: clinical testing. Allele origin: germline. Observed: 1 variant allele.
Comment: The p.Arg1749Gln variant in MYO7A has not been previously reported in individual s with hearing loss. Data from large population studies are insufficient to asse ss the frequency of this variant. Computational prediction tools and conservatio n analysis do not provide strong support for or against an impact to the protein . In summary, the clinical significance of the p.Arg1749Gln variant is uncertain .

Natera, Inc.
Classification: Uncertain significance for Usher syndrome type 1B. Last evaluated: 2020-01-24. Review status: no assertion criteria provided. Collection method: clinical testing. Allele origin: germline. Not counted in ClinVar's aggregate classification.

Counsyl
Classification: Uncertain significance for Usher syndrome type 1; Autosomal recessive nonsyndromic hearing loss 2. Last evaluated: 2017-04-12. Review status: no assertion criteria provided. Collection method: clinical testing. Allele origin: unknown. Not counted in ClinVar's aggregate classification.

NM_000260.4(MYO7A):c.5246G>A (p.Arg1749Gln)

Gene: MYO7A (myosin VIIA; plus strand). Cytogenetic location: 11q13.5.
Variant type: single nucleotide variant.
Coding change: c.5246G>A on transcript NM_000260.4 (MANE Select); coding-DNA position 5246, G replaced by A.
Protein change: p.Arg1749Gln; replaces arginine 1749 with glutamine.
Molecular consequence: missense variant.
Genome position (GRCh38, 1-based): chr11:77,203,137, G>A. VCF-style: chr11-77203137-G-A. GRCh37 (hg19) VCF-style: chr11-76914182-G-A.
Other names: c.5132G>A, p.Arg1711Gln (NM_001127180.2); c.5099G>A, p.Arg1700Gln (NM_001369365.1); short protein forms R1749Q, R1700Q, R1711Q.
Identifiers: ClinVar variation 229007 (VCV000229007.12), dbSNP rs781537330, ClinGen allele CA6198654.